The following is an entry in ClinVar:

ClinVar aggregate classification (germline): Uncertain significance (1 of 4 stars; one submission).

Allele frequency attached by ClinVar (database versions not stated): gnomAD 0.00001; ExAC 0.00002; gnomAD exomes 0.00002 and 0.00003; TOPMed 0.00002.
gnomAD v4.1: 55 of 1,614,010 alleles (0.0034%); highest among the groups gnomAD compares: Non-Finnish European, 0.0039%; no homozygotes.

Submission:

Labcorp Genetics (formerly Invitae), Labcorp
Classification: Uncertain significance. Last evaluated: 2024-10-25. Review status: criteria provided, single submitter. Criteria: Invitae Variant Classification Sherloc (09022015). Collection method: clinical testing. Allele origin: germline.
Comment: This sequence change replaces aspartic acid, which is acidic and polar, with asparagine, which is neutral and polar, at codon 260 of the ZNF408 protein (p.Asp260Asn). This variant is present in population databases (rs772130354, gnomAD 0.003%). This variant has not been reported in the literature in individuals affected with ZNF408-related conditions. ClinVar contains an entry for this variant (Variation ID: 1493827). An algorithm developed to predict the effect of missense changes on protein structure and function outputs the following: PolyPhen-2: "Benign". The asparagine amino acid residue is found in multiple mammalian species, which suggests that this missense change does not adversely affect protein function. In summary, the available evidence is currently insufficient to determine the role of this variant in disease. Therefore, it has been classified as a Variant of Uncertain Significance.

NM_024741.3(ZNF408):c.778G>A (p.Asp260Asn)

Gene: ZNF408 (zinc finger protein 408; plus strand). Cytogenetic location: 11p11.2.
Variant type: single nucleotide variant.
Coding change: c.778G>A on transcript NM_024741.3 (MANE Select); coding-DNA position 778, G replaced by A.
Protein change: p.Asp260Asn; replaces aspartic acid 260 with asparagine.
Molecular consequence: missense variant.
Genome position (GRCh38, 1-based): chr11:46,704,478, G>A. VCF-style: chr11-46704478-G-A. GRCh37 (hg19) VCF-style: chr11-46726028-G-A.
Other names: c.754G>A, p.Asp252Asn (NM_001184751.2); short protein forms D260N, D252N.
Identifiers: ClinVar variation 1493827 (VCV001493827.6), dbSNP rs772130354, ClinGen allele CA5966429.